The following is an entry in ClinVar:

ClinVar aggregate classification (germline): Likely benign. Review status: reviewed by expert panel (3 of 4 stars). 3 submissions from 3 submitters: Likely benign (1). 2 of the submissions do not count toward it. Last evaluated 2024-05-09.

Conditions:
Hereditary antithrombin deficiency (AT3D). Also called: Antithrombin deficiency; Reduced antithrombin III activity; Antithrombin III deficiency; Thrombophilia due to antithrombin III deficiency. Identifiers: Orphanet 82, MedGen C0272375, MONDO:0013144, OMIM 613118, HP:0001976.

Allele frequency attached by ClinVar (database versions not stated): TOPMed 0.00002; ExAC 0.00003; gnomAD 0.00003 and 0.00004; 1000 Genomes Project 0.00020; 1000 Genomes Project 30x 0.00031.
gnomAD v4.1: 30 of 1,614,168 alleles (0.0019%); highest among the groups gnomAD compares: South Asian, 0.012%; no homozygotes.

Submissions (3):

Clingen Thrombosis Variant Curation Expert Panel, ClinGen
Classification: Likely benign for Hereditary antithrombin deficiency. Last evaluated: 2024-05-09. Review status: reviewed by expert panel. Criteria: ClinGen ACMG Specifications SERPINC1 V1.0.0. Collection method: curation. Allele origin: germline. Inheritance: Autosomal dominant inheritance.
Comment: The c.1254C>T (NM_000488.4) variant in SERPINC1 does not code for a different amino acid (p.Thr418=). SpliceAI predicts no splicing impact for this variant meeting BP4. The variant is not predicted to cause a splicing impact and the nucleotide is weakly/moderately conserved with a PhyloP score of -1.569 and a PhastCons score of 0.013 meeting BP7 criteria (PhyloP < 0.1). In summary, this variant meets criteria to be classified as likely benign. ACMG/AMP criteria applied, as specified by the Thrombosis Variant Curation Expert Panel for SERPINC1: BP4, BP7.

CeGaT Center for Human Genetics Tuebingen
Classification: Likely benign. Last evaluated: 2026-03-01. Review status: criteria provided, single submitter. Criteria: CeGaT Center For Human Genetics Tuebingen Variant Classification Criteria Version 2. Collection method: clinical testing. Allele origin: germline. Affected: yes. Observed: 1 variant allele. Not counted in ClinVar's aggregate classification.
Comment: SERPINC1: BP4, BP7

Labcorp Genetics (formerly Invitae), Labcorp
Classification: Likely benign for Hereditary antithrombin deficiency. Last evaluated: 2025-02-03. Review status: criteria provided, single submitter. Criteria: Invitae Variant Classification Sherloc (09022015). Collection method: clinical testing. Allele origin: germline. Not counted in ClinVar's aggregate classification.

NM_000488.4(SERPINC1):c.1254C>T (p.Thr418=)

Gene: SERPINC1 (serpin family C member 1; minus strand). Cytogenetic location: 1q25.1.
Variant type: single nucleotide variant.
Coding change: c.1254C>T on transcript NM_000488.4 (MANE Select); coding-DNA position 1254, C replaced by T.
Protein change: p.Thr418=; no amino-acid change (threonine 418 retained).
Molecular consequence: synonymous variant.
Genome position (GRCh38, 1-based): chr1:173,904,030, G>A on the plus strand (C>T on the coding strand, the complement: SERPINC1 is on the minus strand). VCF-style: chr1-173904030-G-A. GRCh37 (hg19) VCF-style: chr1-173873168-G-A.
Other names: NM_000488.4(SERPINC1):c.1254C>T; p.Thr418=; c.1110C>T, p.Thr370= (NM_001365052.2); c.1377C>T, p.Thr459= (NM_001386302.1); c.1335C>T, p.Thr445= (NM_001386303.1); c.1233C>T, p.Thr411= (NM_001386304.1); c.1197C>T, p.Thr399= (NM_001386305.1); c.1038C>T, p.Thr346= (NM_001386306.1).
Identifiers: ClinVar variation 1144693 (VCV001144693.12), dbSNP rs559277597, ClinGen allele CA1251226.